The following is an entry in ClinVar:

ClinVar aggregate classification (germline): Uncertain significance (1 of 4 stars; one submission).

Allele frequency attached by ClinVar (database versions not stated): gnomAD exomes below 0.00001; ExAC 0.00001.
gnomAD v4.1: 2 of 1,613,304 alleles (0.00012%); highest among the groups gnomAD compares: Non-Finnish European, 0.00017%; no homozygotes.

Submission:

Biesecker Lab/Clinical Genomics Section, National Institutes of Health
Classification: Uncertain significance. Last evaluated: 2013-06-24. Review status: criteria provided, single submitter. Criteria: Ng et al. (Circ Cardiovasc Genet. 2013). Collection method: research. Allele origin: unknown. Observed: 1 variant allele. Study: ClinSeq.
Comment: The study set was not selected for affection status in relation to any cancer. Pathogenicity categories were based on literature curation. See Pubmed ID:23861362 for details.

Medical sequencing

NM_001267550.2(TTN):c.73004C>T (p.Thr24335Ile)

Genes: TTN (titin; minus strand), TTN-AS1 (TTN antisense RNA 1; plus strand). Cytogenetic location: 2q31.2.
Variant type: single nucleotide variant.
Coding change: c.73004C>T on transcript NM_001267550.2 (MANE Select); coding-DNA position 73004, C replaced by T.
Protein change: p.Thr24335Ile; replaces threonine 24335 with isoleucine.
Molecular consequence: missense variant.
Genome position (GRCh38, 1-based): chr2:178,573,128, G>A on the plus strand (C>T on the coding strand, the complement: TTN is on the minus strand). VCF-style: chr2-178573128-G-A. GRCh37 (hg19) VCF-style: chr2-179437855-G-A.
Other names: c.68081C>T, p.Thr22694Ile (NM_001256850.1); c.45809C>T, p.Thr15270Ile (NM_003319.4); c.65300C>T, p.Thr21767Ile (NM_133378.4); c.46184C>T, p.Thr15395Ile (NM_133432.3); c.46385C>T, p.Thr15462Ile (NM_133437.4); short protein forms T21767I, T24335I, T15395I, T22694I, T15270I, T15462I.
Identifiers: ClinVar variation 191897 (VCV000191897.1), dbSNP rs766442878, ClinGen allele CA237812.
Genomic context (GRCh38, chr2:178,573,128, plus strand): 5'-ATTTCTGAACCACCATCATAGATAGGTTTATTCCAAGCGATTGAAATGGATGATCTGCTT[G>A]TATCCAGAACACGTGGGTTACCTGGTGGTCCAGGTTTAAACACAGTGTCACAAGCCTTGT-3'
Protein context (NP_001254479.2, residues 24325-24345): GPPGNPRVLD[Thr24335Ile]SRSSISIAWN